The following is an entry in ClinVar:

NM_000179.3(MSH6):c.4002-15_4002-10dup

Gene: MSH6 (mutS homolog 6; plus strand). Cytogenetic location: 2p16.3.
Variant type: Duplication.
Coding change: c.4002-15_4002-10dup on transcript NM_000179.3 (MANE Select); 15 bases into the intron before coding-DNA position 4002 through 10 bases into the intron before coding-DNA position 4002, 6 bases duplicated (TTTTTT; older notation c.4002-15_4002-10dupTTTTTT).
Molecular consequence: intron variant.
Genome position (GRCh38, 1-based): chr2:47,806,764-47,806,769, TTTTTT duplicated; duplicating any 6 consecutive bases within chr2:47,806,752-47,806,769 gives the same sequence; the c. name uses the placement nearest the transcript's 3' end. VCF-style (leftmost placement, unchanged base first): chr2-47806751-C-CTTTTTT. GRCh37 (hg19) VCF-style: chr2-48033890-C-CTTTTTT.
Other names: c.3705-20_3705-15dup (NM_001406801.1, NM_001406822.1); c.3477-15_3477-10dup (NM_001406806.1, NM_001406807.1, NM_001406799.1); c.3096-15_3096-10dup (NM_001406815.1, NM_001406829.1, NM_001406823.1 and 6 more transcripts); c.3705-15_3705-10dup (NM_001406818.1, NM_001406821.1, NM_001406828.1 and 8 more transcripts); c.3834-15_3834-10dup (NM_001406826.1); c.849-15_849-10dup (NM_001406832.1); c.783-15_783-10dup (NM_001406831.1); c.4002-15_4002-10dup (NM_001406809.1, NM_001406796.1); and 11 more.
Identifiers: ClinVar variation 4980673 (VCV004980673.1).

ClinVar aggregate classification (germline): Likely benign (1 of 4 stars; one submission).

Conditions:
MSH6-related disorder. Also called: MSH6-related condition; MSH6-Related disorders.

Submission:

PreventionGenetics, part of Exact Sciences
Classification: Likely benign for MSH6-related condition. Last evaluated: 2026-05-12. Review status: criteria provided, single submitter. Criteria: ACMG Guidelines, 2015. Collection method: clinical testing. Allele origin: germline.
Comment: This variant is classified as likely benign based on ACMG/AMP sequence variant interpretation guidelines (Richards et al. 2015 PMID: 25741868, with internal and published modifications).